The following is an entry in ClinVar:

NM_001036.6(RYR3):c.3113G>A (p.Arg1038Gln)

Gene: RYR3 (ryanodine receptor 3; plus strand). Cytogenetic location: 15q14.
Variant type: single nucleotide variant.
Coding change: c.3113G>A on transcript NM_001036.6 (MANE Select); coding-DNA position 3113, G replaced by A.
Protein change: p.Arg1038Gln; replaces arginine 1038 with glutamine.
Molecular consequence: missense variant.
Genome position (GRCh38, 1-based): chr15:33,634,671, G>A. VCF-style: chr15-33634671-G-A. GRCh37 (hg19) VCF-style: chr15-33926872-G-A.
Other names: c.3113G>A, p.Arg1038Gln (NM_001243996.4); short protein forms R1038Q.
Identifiers: ClinVar variation 1019216 (VCV001019216.8), dbSNP rs369597197, ClinGen allele CA7458616.

ClinVar aggregate classification (germline): Uncertain significance (1 of 4 stars; one submission).

Conditions:
Epileptic encephalopathy. Identifiers: MedGen C0543888, HP:0200134.

Allele frequency attached by ClinVar (database versions not stated): gnomAD 0.00002; gnomAD exomes 0.00002; TOPMed 0.00002; ExAC 0.00004; ESP Exome Variant Server 0.00008.
gnomAD v4.1: 31 of 1,613,750 alleles (0.0019%); highest among the groups gnomAD compares: East Asian, 0.0067%; no homozygotes.

Submission:

Labcorp Genetics (formerly Invitae), Labcorp
Classification: Uncertain significance for Epileptic encephalopathy. Last evaluated: 2020-11-05. Review status: criteria provided, single submitter. Criteria: Invitae Variant Classification Sherloc (09022015). Collection method: clinical testing. Allele origin: germline.
Comment: This variant has not been reported in the literature in individuals with RYR3-related conditions. Algorithms developed to predict the effect of missense changes on protein structure and function (SIFT, PolyPhen-2, Align-GVGD) all suggest that this variant is likely to be disruptive, but these predictions have not been confirmed by published functional studies and their clinical significance is uncertain. In summary, the available evidence is currently insufficient to determine the role of this variant in disease. Therefore, it has been classified as a Variant of Uncertain Significance. This variant is present in population databases (rs369597197, ExAC 0.02%). This sequence change replaces arginine with glutamine at codon 1038 of the RYR3 protein (p.Arg1038Gln). The arginine residue is highly conserved and there is a small physicochemical difference between arginine and glutamine.